The following is an entry in ClinVar:

NM_000268.4(NF2):c.1735A>G (p.Lys579Glu)

Gene: NF2 (NF2, moesin-ezrin-radixin like (MERLIN) tumor suppressor; plus strand). Cytogenetic location: 22q12.2.
Variant type: single nucleotide variant.
Coding change: c.1735A>G on transcript NM_000268.4 (MANE Select); coding-DNA position 1735, A replaced by G.
Protein change: p.Lys579Glu; replaces lysine 579 with glutamic acid.
Molecular consequence: missense variant. On other transcripts: intron variant (3).
Genome position (GRCh38, 1-based): chr22:29,681,599, A>G. VCF-style: chr22-29681599-A-G. GRCh37 (hg19) VCF-style: chr22-30077588-A-G.
Other names: c.1621A>G, p.Lys541Glu (NM_001407053.1, NM_001407056.1); c.1612A>G, p.Lys538Glu (NM_001407054.1, NM_181829.3, NM_001407058.1); c.1735A>G, p.Lys579Glu (NM_016418.5, NM_181825.3, NM_181832.3 and 1 more transcripts); c.1609A>G, p.Lys537Glu (NM_181828.3, NM_001407055.1); c.1486A>G, p.Lys496Glu (NM_181830.3, NM_181831.3, NM_001407063.1); c.1574+3276A>G (NM_001407060.1); c.448-13153A>G (NM_181833.3); c.1325+3276A>G (NM_001407064.1); and 4 more; short protein forms K401E, K534E, K493E, K496E, K502E, K537E, K538E, K541E.
Identifiers: ClinVar variation 2816298 (VCV002816298.3), dbSNP rs2067138432, ClinGen allele CA411150548.

ClinVar aggregate classification (germline): Uncertain significance (1 of 4 stars; one submission).

Conditions:
Neurofibromatosis, type 2 (SWNV). Also called: BILATERAL ACOUSTIC NEUROFIBROMATOSIS; NF2-Related Schwannomatosis; SCHWANNOMATOSIS, VESTIBULAR. Identifiers: Orphanet 637, MedGen C0027832, MONDO:0007039, OMIM 101000. Disease mechanism: loss of function.

Submission:

Labcorp Genetics (formerly Invitae), Labcorp
Classification: Uncertain significance for Neurofibromatosis, type 2. Last evaluated: 2026-01-05. Review status: criteria provided, single submitter. Criteria: Invitae Variant Classification Sherloc (09022015). Collection method: clinical testing. Allele origin: germline.
Comment: This sequence change replaces lysine, which is basic and polar, with glutamic acid, which is acidic and polar, at codon 579 of the NF2 protein (p.Lys579Glu). This variant is not present in population databases (gnomAD no frequency). This variant has not been reported in the literature in individuals affected with NF2-related conditions. ClinVar contains an entry for this variant (Variation ID: 2816298). An algorithm developed to predict the effect of missense changes on protein structure and function (PolyPhen-2) suggests that this variant is likely to be tolerated. In summary, the available evidence is currently insufficient to determine the role of this variant in disease. Therefore, it has been classified as a Variant of Uncertain Significance.